The following is an entry in ClinVar:

NM_001033855.3(DCLRE1C):c.109+1G>A

Gene: DCLRE1C (DNA cross-link repair 1C; minus strand). Cytogenetic location: 10p13.
Variant type: single nucleotide variant.
Coding change: c.109+1G>A on transcript NM_001033855.3 (MANE Select); the canonical splice donor site of the intron after coding-DNA position 109, G replaced by A.
Molecular consequence: splice donor variant.
Genome position (GRCh38, 1-based): chr10:14,953,901, C>T on the plus strand (G>A on the coding strand, the complement: DCLRE1C is on the minus strand). VCF-style: chr10-14953901-C-T. GRCh37 (hg19) VCF-style: chr10-14995900-C-T.
Other names: c.-129+1G>A (NM_001350966.2, NM_001289078.2); c.109+1G>A (NM_001350965.2); c.-337+1G>A (NM_001350967.2, NM_001033857.3); c.-96+1G>A (NM_001289076.2); c.-181+1G>A (NM_022487.4); c.-383+1G>A (NM_001289077.2); c.-705+1G>A (NM_001289079.2); c.-659+1G>A (NM_001033858.3).
Identifiers: ClinVar variation 4814543 (VCV004814543.1).
Genomic context (GRCh38, chr10:14,953,901, plus strand): 5'-CTCCTGTCCTCTCTCCAGCCCCCAGCGCCCCGGGAGCGGGCGACGCGCAGCCCTCACTCA[C>T]CTTTGTGGCAGTGGGACAGGAAGTAGGCGCGGGCCCTCAGGTTCTCCCTATCGAAGCGGT-3'

ClinVar aggregate classification (germline): Pathogenic (1 of 4 stars; one submission).

Conditions:
Athabaskan severe combined immunodeficiency (SCIDA). Also called: Severe combined immunodeficiency, athabascan-type. Identifiers: MedGen C1865370.

Submission:

Natera, Inc.
Classification: Pathogenic for Athabascan severe combined immunodeficiency. Last evaluated: 2025-08-14. Review status: criteria provided, single submitter. Criteria: Natera Variant Classification Schema (03/2026). Collection method: clinical testing. Allele origin: germline.
Comment: The c.109+1G>A variant in DCLRE1C is a canonical splice donor site variant predicted to affect pre-mRNA splicing, which may result in an abnormal transcript and altered protein product. This variant is expected to result in nonsense mediated decay, truncation, or a dysfunctional protein product. This variant is rare in the general population with a frequency below the threshold expected for the associated phenotype(s). Another variant at this same site results in an alteration predicted to cause a similar molecular effect has been observed in individual(s) with the associated phenotype. Given the available evidence, this variant is classified as Pathogenic.